The following is an entry in ClinVar:

ClinVar aggregate classification (germline): Likely benign (1 of 4 stars; one submission).

Submission:

GeneDx
Classification: Likely benign. Last evaluated: 2021-10-18. Review status: criteria provided, single submitter. Criteria: GeneDx Variant Classification Process June 2021. Collection method: clinical testing. Allele origin: germline. Affected: yes.
Comment: See Variant Classification Assertion Criteria.

NM_004523.4(KIF11):c.2548-90_2548-89insAAAAAAAAAAAAAAAAAA

Gene: KIF11 (kinesin family member 11; plus strand). Cytogenetic location: 10q23.33.
Variant type: Insertion.
Coding change: c.2548-90_2548-89insAAAAAAAAAAAAAAAAAA on transcript NM_004523.4 (MANE Select); 90 bases into the intron before coding-DNA position 2548 through 89 bases into the intron before coding-DNA position 2548, AAAAAAAAAAAAAAAAAA inserted.
Molecular consequence: intron variant.
Genome position: GRCh38 VCF-style: chr10-92648108-C-CAAAAAAAAAAAAAAAAAA. GRCh37 (hg19) VCF-style: chr10-94407865-C-CAAAAAAAAAAAAAAAAAA.
Identifiers: ClinVar variation 1800537 (VCV001800537.1), dbSNP rs34357393, ClinGen allele CA595505998.